The following is an entry in ClinVar:

ClinVar aggregate classification (germline): Uncertain significance. Review status: criteria provided, multiple submitters, no conflicts (2 of 4 stars). 2 submissions from 2 submitters: Uncertain significance (2). Last evaluated 2024-05-07.

Conditions:
Inborn genetic diseases. Identifiers: MedGen C0950123, MeSH D030342.
Hermansky-Pudlak syndrome 2 (HPS2). Also called: Platelet defects and oculocutaneous albinism. Identifiers: Orphanet 183678, Orphanet 79430, MedGen C1842362, MONDO:0011997, OMIM 608233.

gnomAD v4.1: 8 of 1,614,142 alleles (0.0005%); highest among the groups gnomAD compares: East Asian, 0.013%; no homozygotes.

Submissions (2):

Ambry Genetics
Classification: Uncertain significance for Inborn genetic diseases. Last evaluated: 2024-05-07. Review status: criteria provided, single submitter. Criteria: Ambry Variant Classification Scheme 2023. Collection method: clinical testing. Allele origin: germline.

Labcorp Genetics (formerly Invitae), Labcorp
Classification: Uncertain significance for Hermansky-Pudlak syndrome 2. Last evaluated: 2021-12-13. Review status: criteria provided, single submitter. Criteria: Invitae Variant Classification Sherloc (09022015). Collection method: clinical testing. Allele origin: germline.
Comment: This sequence change replaces serine, which is neutral and polar, with threonine, which is neutral and polar, at codon 3 of the AP3B1 protein (p.Ser3Thr). This variant is present in population databases (no rsID available, gnomAD 0.006%). This variant has not been reported in the literature in individuals affected with AP3B1-related conditions. Algorithms developed to predict the effect of missense changes on protein structure and function (SIFT, PolyPhen-2, Align-GVGD) all suggest that this variant is likely to be tolerated. In summary, the available evidence is currently insufficient to determine the role of this variant in disease. Therefore, it has been classified as a Variant of Uncertain Significance.

NM_003664.5(AP3B1):c.8G>C (p.Ser3Thr)

Gene: AP3B1 (adaptor related protein complex 3 subunit beta 1; minus strand). Cytogenetic location: 5q14.1.
Variant type: single nucleotide variant.
Coding change: c.8G>C on transcript NM_003664.5 (MANE Select); coding-DNA position 8, G replaced by C.
Protein change: p.Ser3Thr; replaces serine 3 with threonine.
Molecular consequence: missense variant. On other transcripts: 5 prime UTR variant (1).
Genome position (GRCh38, 1-based): chr5:78,294,572, C>G on the plus strand (G>C on the coding strand, the complement: AP3B1 is on the minus strand). VCF-style: chr5-78294572-C-G. GRCh37 (hg19) VCF-style: chr5-77590396-C-G.
Other names: c.-152G>C (NM_001271769.2); c.8G>C, p.Ser3Thr (NM_001410752.1); short protein forms S3T.
Identifiers: ClinVar variation 2052574 (VCV002052574.3), dbSNP rs1437057161, ClinGen allele CA360334813.
Genomic context (GRCh38, chr5:78,294,572, plus strand): 5'-TCCTGACCCAGCTCCGTCGCCTCCCCTCCTCCGGACTGCTCATTGTAAGGAAAACTATTG[C>G]TGGACATTGCCGCGGTGCTGGCGGGTGCGGGGTTGGTCCTGCCGGGGGTTCTCTCCAAAA-3'
Protein context (NP_003655.3, residues 1-13): MS[Ser3Thr]NSFPYNEQSG